The following is an entry in ClinVar:

NM_194277.3(FRMD7):c.1448G>T (p.Cys483Phe)

Gene: FRMD7 (FERM domain containing 7; minus strand). Cytogenetic location: Xq26.2.
Variant type: single nucleotide variant.
Coding change: c.1448G>T on transcript NM_194277.3 (MANE Select); coding-DNA position 1448, G replaced by T.
Protein change: p.Cys483Phe; replaces cysteine 483 with phenylalanine.
Molecular consequence: missense variant.
Genome position (GRCh38, 1-based): chrX:132,078,569, C>A on the plus strand (G>T on the coding strand, the complement: FRMD7 is on the minus strand). VCF-style: chrX-132078569-C-A. GRCh37 (hg19) VCF-style: chrX-131212597-C-A.
Other names: c.1403G>T, p.Cys468Phe (NM_001306193.2); short protein forms C468F, C483F.
Identifiers: ClinVar variation 1967638 (VCV001967638.5), dbSNP rs1433351588, ClinGen allele CA414679064.

ClinVar aggregate classification (germline): Uncertain significance (1 of 4 stars; one submission).

Allele frequency attached by ClinVar (database versions not stated): gnomAD exomes below 0.00001.
gnomAD v4.1: 4 of 1,209,873 alleles (0.00033%); highest among the groups gnomAD compares: African/African-American, 0.0053%; no homozygotes.

Submission:

Labcorp Genetics (formerly Invitae), Labcorp
Classification: Uncertain significance. Last evaluated: 2024-01-24. Review status: criteria provided, single submitter. Criteria: Invitae Variant Classification Sherloc (09022015). Collection method: clinical testing. Allele origin: germline.
Comment: This sequence change replaces cysteine, which is neutral and slightly polar, with phenylalanine, which is neutral and non-polar, at codon 483 of the FRMD7 protein (p.Cys483Phe). This variant is not present in population databases (gnomAD no frequency). This variant has not been reported in the literature in individuals affected with FRMD7-related conditions. ClinVar contains an entry for this variant (Variation ID: 1967638). An algorithm developed to predict the effect of missense changes on protein structure and function (PolyPhen-2) suggests that this variant is likely to be disruptive. Algorithms developed to predict the effect of sequence changes on RNA splicing suggest that this variant may create or strengthen a splice site. In summary, the available evidence is currently insufficient to determine the role of this variant in disease. Therefore, it has been classified as a Variant of Uncertain Significance.